The following is an entry in ClinVar:

ClinVar aggregate classification (germline): Uncertain significance (1 of 4 stars; one submission).

Conditions:
Spondyloepiphyseal dysplasia with congenital joint dislocations (SEDCJD). Also called: Chondrodysplasia with Congenital Joint Dislocations, CHST3-Related. Identifiers: Orphanet 263463, MedGen C1837657, MONDO:0007738, OMIM 143095.

Allele frequency attached by ClinVar (database versions not stated): TOPMed below 0.00001; gnomAD exomes 0.00001 and 0.00002.

Submission:

Labcorp Genetics (formerly Invitae), Labcorp
Classification: Uncertain significance for Spondyloepiphyseal dysplasia with congenital joint dislocations. Last evaluated: 2021-09-02. Review status: criteria provided, single submitter. Criteria: Invitae Variant Classification Sherloc (09022015). Collection method: clinical testing. Allele origin: germline.
Comment: This sequence change replaces proline with leucine at codon 359 of the CHST3 protein (p.Pro359Leu). The proline residue is highly conserved and there is a moderate physicochemical difference between proline and leucine. The frequency data for this variant in the population databases is considered unreliable, as metrics indicate insufficient coverage at this position in the ExAC database. This variant has not been reported in the literature in individuals affected with CHST3-related conditions. Algorithms developed to predict the effect of missense changes on protein structure and function are either unavailable or do not agree on the potential impact of this missense change (SIFT: "Tolerated"; PolyPhen-2: "Possibly Damaging"; Align-GVGD: "Class C0"). In summary, the available evidence is currently insufficient to determine the role of this variant in disease. Therefore, it has been classified as a Variant of Uncertain Significance.

NM_004273.5(CHST3):c.1076C>T (p.Pro359Leu)

Gene: CHST3 (carbohydrate sulfotransferase 3; plus strand). Cytogenetic location: 10q22.1.
Variant type: single nucleotide variant.
Coding change: c.1076C>T on transcript NM_004273.5 (MANE Select); coding-DNA position 1076, C replaced by T.
Protein change: p.Pro359Leu; replaces proline 359 with leucine.
Molecular consequence: missense variant.
Genome position (GRCh38, 1-based): chr10:72,008,107, C>T. VCF-style: chr10-72008107-C-T. GRCh37 (hg19) VCF-style: chr10-73767865-C-T.
Other names: short protein forms P359L.
Identifiers: ClinVar variation 1432575 (VCV001432575.5), dbSNP rs1193910975, ClinGen allele CA377150647.